The following is an entry in ClinVar:

ClinVar aggregate classification (germline): Pathogenic (1 of 4 stars; one submission).

Submission:

GeneDx
Classification: Pathogenic. Last evaluated: 2018-12-10. Review status: criteria provided, single submitter. Criteria: GeneDx Variant Classification (06012015). Collection method: clinical testing. Allele origin: germline. Affected: yes.
Comment: The c.696_697insAT pathogenic variant in the SLC2A1 gene causes a frameshift starting with codon Glycine 233, changes this amino acid to a Methionine residue and creates a premature Stop codon at position 6 of the new reading frame, denoted p.Gly233MetfsX6. This pathogenic variant is predicted to cause loss of normal protein function either through protein truncation or nonsense-mediated mRNA decay. The c.696_697insAT variant is not observed in large population cohorts (Lek et al., 2016).

NM_006516.4(SLC2A1):c.696_697insAT (p.Gly233fs)

Gene: SLC2A1 (solute carrier family 2 member 1; minus strand). Cytogenetic location: 1p34.2.
Variant type: Insertion.
Coding change: c.696_697insAT on transcript NM_006516.4 (MANE Select); coding-DNA positions 696 to 697, AT inserted.
Protein change: p.Gly233fs; shifts the reading frame from glycine 233.
Molecular consequence: frameshift variant.
Genome position: GRCh38 VCF-style: chr1-42929763-C-CAT. GRCh37 (hg19) VCF-style: chr1-43395434-C-CAT.
Other names: short protein forms G233fs.
Identifiers: ClinVar variation 817922 (VCV000817922.1), dbSNP rs1570592655, ClinGen allele CA915941228.